The following is an entry in ClinVar:

ClinVar aggregate classification (germline): Uncertain significance (1 of 4 stars; one submission).

Conditions:
Deafness-lymphedema-leukemia syndrome. Also called: Emberger syndrome; Lymphedema, primary, with myelodysplasia. Identifiers: Orphanet 3226, MedGen C3279664, MONDO:0013540, OMIM 614038.
Monocytopenia with susceptibility to infections. Also called: GATA2 DEFICIENCY; MONOCYTOPENIA AND MYCOBACTERIAL INFECTION SYNDROME; MONOCYTOPENIA WITH SUSCEPTIBILITY TO MYCOBACTERIAL, FUNGAL, AND PAPILLOMAVIRUS INFECTIONS AND MYELODYSPLASIA; COMBINED IMMUNODEFICIENCY WITH SUSCEPTIBILITY TO MYCOBACTERIAL, VIRAL, AND FUNGAL INFECTIONS; IMMUNODEFICIENCY 21; Dendritic cell, monocyte, B lymphocyte, and natural killer lymphocyte deficiency. Identifiers: Orphanet 228423, MedGen C3280030, MONDO:0013607, OMIM 614172.

Submission:

Labcorp Genetics (formerly Invitae), Labcorp
Classification: Uncertain significance for Monocytopenia with susceptibility to infections; Deafness-lymphedema-leukemia syndrome. Last evaluated: 2022-05-17. Review status: criteria provided, single submitter. Criteria: Invitae Variant Classification Sherloc (09022015). Collection method: clinical testing. Allele origin: germline.
Comment: In summary, the available evidence is currently insufficient to determine the role of this variant in disease. Therefore, it has been classified as a Variant of Uncertain Significance. Advanced modeling of protein sequence and biophysical properties (such as structural, functional, and spatial information, amino acid conservation, physicochemical variation, residue mobility, and thermodynamic stability) performed at Invitae indicates that this missense variant is not expected to disrupt GATA2 protein function. This variant has not been reported in the literature in individuals affected with GATA2-related conditions. This variant is not present in population databases (gnomAD no frequency). This sequence change replaces glycine, which is neutral and non-polar, with serine, which is neutral and polar, at codon 167 of the GATA2 protein (p.Gly167Ser).

NM_032638.5(GATA2):c.499G>A (p.Gly167Ser)

Gene: GATA2 (GATA binding protein 2; minus strand). Cytogenetic location: 3q21.3.
Variant type: single nucleotide variant.
Coding change: c.499G>A on transcript NM_032638.5 (MANE Select); coding-DNA position 499, G replaced by A.
Protein change: p.Gly167Ser; replaces glycine 167 with serine.
Molecular consequence: missense variant.
Genome position (GRCh38, 1-based): chr3:128,486,099, C>T on the plus strand (G>A on the coding strand, the complement: GATA2 is on the minus strand). VCF-style: chr3-128486099-C-T. GRCh37 (hg19) VCF-style: chr3-128204942-C-T.
Other names: c.499G>A, p.Gly167Ser (NM_001145661.2, NM_001145662.1); short protein forms G167S.
Identifiers: ClinVar variation 1387661 (VCV001387661.6), dbSNP rs2107672519, ClinGen allele CA354406640.